The following is an entry in ClinVar:

NM_016507.4(CDK12):c.2470C>A (p.Leu824Ile)

Gene: CDK12 (cyclin dependent kinase 12; plus strand). Cytogenetic location: 17q12.
Variant type: single nucleotide variant.
Coding change: c.2470C>A on transcript NM_016507.4 (MANE Select); coding-DNA position 2470, C replaced by A.
Protein change: p.Leu824Ile; replaces leucine 824 with isoleucine.
Molecular consequence: missense variant.
Genome position (GRCh38, 1-based): chr17:39,501,300, C>A. VCF-style: chr17-39501300-C-A. GRCh37 (hg19) VCF-style: chr17-37657553-C-A.
Other names: c.2470C>A, p.Leu824Ile (NM_015083.4); short protein forms L824I.
Identifiers: ClinVar variation 3489417 (VCV003489417.2).

ClinVar aggregate classification (germline): Uncertain significance (1 of 4 stars; one submission).

gnomAD v4.1: 6 of 1,613,054 alleles (0.00037%); highest among the groups gnomAD compares: Non-Finnish European, 0.00051%; no homozygotes.

Submission:

Ambry Genetics
Classification: Uncertain significance. Last evaluated: 2024-12-26. Review status: criteria provided, single submitter. Criteria: Ambry Variant Classification Scheme 2023. Collection method: clinical testing. Allele origin: germline.
Comment: The p.L824I variant (also known as c.2470C>A), located in coding exon 6 of the CDK12 gene, results from a C to A substitution at nucleotide position 2470. The leucine at codon 824 is replaced by isoleucine, an amino acid with highly similar properties. This amino acid position is conserved. In addition, the in silico prediction for this alteration is inconclusive. Based on the available evidence, the clinical significance of this variant remains unclear.